The following is an entry in ClinVar:

ClinVar aggregate classification (germline): Likely benign (0 of 4 stars; one submission).

Conditions:
RSPO1-related disorder. Also called: RSPO1-related condition.

gnomAD v4.1: 5 of 1,613,924 alleles (0.00031%); highest among the groups gnomAD compares: Admixed American, 0.0083%; no homozygotes.

Submission:

PreventionGenetics, part of Exact Sciences
Classification: Likely benign for RSPO1-related condition. Last evaluated: 2022-07-06. Review status: no assertion criteria provided. Collection method: clinical testing. Allele origin: germline.
Comment: This variant is classified as likely benign based on ACMG/AMP sequence variant interpretation guidelines (Richards et al. 2015 PMID: 25741868, with internal and published modifications).

NM_001242908.2(RSPO1):c.339G>A (p.Lys113=)

Gene: RSPO1 (R-spondin 1; minus strand). Cytogenetic location: 1p34.3.
Variant type: single nucleotide variant.
Coding change: c.339G>A on transcript NM_001242908.2 (MANE Select); coding-DNA position 339, G replaced by A.
Protein change: p.Lys113=; no amino-acid change (lysine 113 retained).
Molecular consequence: synonymous variant.
Genome position (GRCh38, 1-based): chr1:37,614,281, C>T on the plus strand (G>A on the coding strand, the complement: RSPO1 is on the minus strand). VCF-style: chr1-37614281-C-T. GRCh37 (hg19) VCF-style: chr1-38079953-C-T.
Other names: c.339G>A, p.Lys113= (NM_001038633.4, NM_001242910.2); c.258G>A, p.Lys86= (NM_001242909.2).
Identifiers: ClinVar variation 3358832 (VCV003358832.1).